The following is an entry in ClinVar:

ClinVar aggregate classification (germline): Uncertain significance (1 of 4 stars; one submission).

Conditions:
Peroxisome biogenesis disorder 11A (Zellweger). Also called: Peroxisome biogenesis disorder 11A. Identifiers: Orphanet 912, MedGen C3554000, MONDO:0013949, OMIM 614883.

Submission:

Labcorp Genetics (formerly Invitae), Labcorp
Classification: Uncertain significance for Peroxisome biogenesis disorder 11A (Zellweger). Last evaluated: 2025-07-30. Review status: criteria provided, single submitter. Criteria: Invitae Variant Classification Sherloc (09022015). Collection method: clinical testing. Allele origin: germline.
Comment: This sequence change replaces lysine, which is basic and polar, with glutamic acid, which is acidic and polar, at codon 177 of the PEX13 protein (p.Lys177Glu). This variant is not present in population databases (gnomAD no frequency). This variant has not been reported in the literature in individuals affected with PEX13-related conditions. Invitae Evidence Modeling of protein sequence and biophysical properties (such as structural, functional, and spatial information, amino acid conservation, physicochemical variation, residue mobility, and thermodynamic stability) indicates that this missense variant is not expected to disrupt PEX13 protein function with a negative predictive value of 80%. In summary, the available evidence is currently insufficient to determine the role of this variant in disease. Therefore, it has been classified as a Variant of Uncertain Significance.

NM_002618.4(PEX13):c.529A>G (p.Lys177Glu)

Gene: PEX13 (peroxisomal biogenesis factor 13; plus strand). Cytogenetic location: 2p15.
Variant type: single nucleotide variant.
Coding change: c.529A>G on transcript NM_002618.4 (MANE Select); coding-DNA position 529, A replaced by G.
Protein change: p.Lys177Glu; replaces lysine 177 with glutamic acid.
Molecular consequence: missense variant.
Genome position (GRCh38, 1-based): chr2:61,031,855, A>G. VCF-style: chr2-61031855-A-G. GRCh37 (hg19) VCF-style: chr2-61258990-A-G.
Other names: short protein forms K177E.
Identifiers: ClinVar variation 4742931 (VCV004742931.1).